The following is an entry in ClinVar:

NM_000387.6(SLC25A20):c.121C>T (p.Gln41Ter)

Gene: SLC25A20 (solute carrier family 25 member 20; minus strand). Cytogenetic location: 3p21.31.
Variant type: single nucleotide variant.
Coding change: c.121C>T on transcript NM_000387.6 (MANE Select); coding-DNA position 121, C replaced by T.
Protein change: p.Gln41Ter; replaces glutamine 41 with a stop codon.
Molecular consequence: nonsense.
Genome position (GRCh38, 1-based): chr3:48,892,057, G>A on the plus strand (C>T on the coding strand, the complement: SLC25A20 is on the minus strand). VCF-style: chr3-48892057-G-A. GRCh37 (hg19) VCF-style: chr3-48929490-G-A.
Other names: short protein forms Q41*.
Identifiers: ClinVar variation 2678862 (VCV002678862.2), dbSNP rs1575992941, ClinGen allele CA352637664.

ClinVar aggregate classification (germline): Pathogenic/Likely pathogenic. Review status: criteria provided, multiple submitters, no conflicts (2 of 4 stars). 2 submissions from 2 submitters: Pathogenic (1); Likely pathogenic (1). Last evaluated 2026-01-14.

Conditions:
Carnitine acylcarnitine translocase deficiency (CACTD). Identifiers: Orphanet 159, MedGen C0342791, MONDO:0008918, OMIM 212138.

Allele frequency attached by ClinVar (database versions not stated): gnomAD exomes below 0.00001.
gnomAD v4.1: 4 of 1,613,984 alleles (0.00025%); highest among the groups gnomAD compares: Non-Finnish European, 0.00034%; no homozygotes.

Submissions (2):

Labcorp Genetics (formerly Invitae), Labcorp
Classification: Pathogenic for Carnitine acylcarnitine translocase deficiency. Last evaluated: 2026-01-14. Review status: criteria provided, single submitter. Criteria: Invitae Variant Classification Sherloc (09022015). Collection method: clinical testing. Allele origin: germline.
Comment: This sequence change creates a premature translational stop signal (p.Gln41*) in the SLC25A20 gene. It is expected to result in an absent or disrupted protein product. Loss-of-function variants in SLC25A20 are known to be pathogenic (PMID: 25614308). This variant is not present in population databases (gnomAD no frequency). This variant has not been reported in the literature in individuals affected with SLC25A20-related conditions. ClinVar contains an entry for this variant (Variation ID: 2678862). For these reasons, this variant has been classified as Pathogenic.

Baylor Genetics
Classification: Likely pathogenic for Carnitine acylcarnitine translocase deficiency. Last evaluated: 2023-10-19. Review status: criteria provided, single submitter. Criteria: ACMG Guidelines, 2015. Collection method: clinical testing. Allele origin: unknown.

Literature cited by the submitters: PubMed 25614308 (cited by Labcorp Genetics (formerly Invitae), Labcorp).